The following is an entry in ClinVar:

ClinVar aggregate classification (germline): Uncertain significance (1 of 4 stars; one submission).

Conditions:
Complex neurodevelopmental disorder. Identifiers: Orphanet 528084, MedGen C5568766, MONDO:0100038.

gnomAD v4.1: 3 of 1,613,966 alleles (0.00019%); highest among the groups gnomAD compares: Non-Finnish European, 0.00025%; no homozygotes.

Submission:

Dasa
Classification: Uncertain significance for Complex neurodevelopmental disorder. Last evaluated: 2025-11-24. Review status: criteria provided, single submitter. Criteria: DASA Assertion Criteria. Collection method: clinical testing. Allele origin: germline.
Comment: NM_001829.4(CLCN3):c.2327G>A (p.Arg776Gln) is a missense variant that results in the substitution of arginine with glutamine. This variant is rare in population databases. Computational prediction algorithms are consistent with a deleterious effect. The currently available literature and clinical evidence are not sufficient to establish a definitive association between this variant and the reported condition. Therefore, this variant is classified as a variant of uncertain significance.

NM_001829.4(CLCN3):c.2327G>A (p.Arg776Gln)

Gene: CLCN3 (Cl-/H+ antiporter 3; plus strand). Cytogenetic location: 4q33.
Variant type: single nucleotide variant.
Coding change: c.2327G>A on transcript NM_001829.4 (MANE Select); coding-DNA position 2327, G replaced by A.
Protein change: p.Arg776Gln; replaces arginine 776 with glutamine.
Molecular consequence: missense variant.
Genome position (GRCh38, 1-based): chr4:169,713,256, G>A. VCF-style: chr4-169713256-G-A. GRCh37 (hg19) VCF-style: chr4-170634407-G-A.
Other names: c.2246G>A, p.Arg749Gln (NM_001243372.2, NM_001243374.2); c.2327G>A, p.Arg776Gln (NM_173872.4); short protein forms R749Q, R776Q.
Identifiers: ClinVar variation 4880990 (VCV004880990.2).